The following is an entry in ClinVar:

ClinVar aggregate classification (germline): Uncertain significance. Review status: criteria provided, multiple submitters, no conflicts (2 of 4 stars). 3 submissions from 3 submitters: Uncertain significance (3). Last evaluated 2024-01-24.

Conditions:
Hereditary cancer-predisposing syndrome. Also called: Tumor predisposition; Hereditary Cancer Syndrome; Hereditary neoplastic syndrome; Neoplastic Syndromes, Hereditary. Identifiers: Orphanet 140162, MedGen C0027672, MeSH D009386, MONDO:0015356.
Intellectual disability, autosomal dominant 16 (CSS4). Also called: COFFIN-SIRIS SYNDROME 4. Identifiers: Orphanet 1465, MedGen C3553249, MONDO:0013821, OMIM 614609.
Rhabdoid tumor predisposition syndrome 2 (RTPS2). Identifiers: Orphanet 231108, Orphanet 69077, MedGen C2750074, MONDO:0013224, OMIM 613325.

Submissions (3):

Ambry Genetics
Classification: Uncertain significance for Hereditary cancer-predisposing syndrome. Last evaluated: 2024-01-24. Review status: criteria provided, single submitter. Criteria: Ambry Variant Classification Scheme 2023. Collection method: clinical testing. Allele origin: germline.
Comment: The p.A450V variant (also known as c.1349C>T), located in coding exon 7 of the SMARCA4 gene, results from a C to T substitution at nucleotide position 1349. The alanine at codon 450 is replaced by valine, an amino acid with similar properties. This amino acid position is highly conserved in available vertebrate species. In addition, the in silico prediction for this alteration is inconclusive. Based on the available evidence, the clinical significance of this alteration remains unclear.

Labcorp Genetics (formerly Invitae), Labcorp
Classification: Uncertain significance for Rhabdoid tumor predisposition syndrome 2. Last evaluated: 2023-03-10. Review status: criteria provided, single submitter. Criteria: Invitae Variant Classification Sherloc (09022015). Collection method: clinical testing. Allele origin: germline.
Comment: This sequence change replaces alanine, which is neutral and non-polar, with valine, which is neutral and non-polar, at codon 450 of the SMARCA4 protein (p.Ala450Val). This variant is not present in population databases (gnomAD no frequency). This variant has not been reported in the literature in individuals affected with SMARCA4-related conditions. ClinVar contains an entry for this variant (Variation ID: 486474). Advanced modeling of protein sequence and biophysical properties (such as structural, functional, and spatial information, amino acid conservation, physicochemical variation, residue mobility, and thermodynamic stability) has been performed at Invitae for this missense variant, however the output from this modeling did not meet the statistical confidence thresholds required to predict the impact of this variant on SMARCA4 protein function. RNA analysis performed to evaluate the impact of this missense change on mRNA splicing indicates it does not significantly alter splicing (Invitae). In summary, the available evidence is currently insufficient to determine the role of this variant in disease. Therefore, it has been classified as a Variant of Uncertain Significance.

Genome-Nilou Lab
Classification: Uncertain significance for Intellectual disability, autosomal dominant 16. Last evaluated: 2021-07-15. Review status: criteria provided, single submitter. Criteria: ACMG Guidelines, 2015. Collection method: clinical testing. Allele origin: germline. Affected: no.

NM_003072.5(SMARCA4):c.1349C>T (p.Ala450Val)

Gene: SMARCA4 (SWI/SNF related BAF chromatin remodeling complex subunit ATPase 4; plus strand). Cytogenetic location: 19p13.2.
Variant type: single nucleotide variant.
Coding change: c.1349C>T on transcript NM_003072.5 (MANE Select); coding-DNA position 1349, C replaced by T.
Protein change: p.Ala450Val; replaces alanine 450 with valine.
Molecular consequence: missense variant. On other transcripts: non-coding transcript variant (1).
Genome position (GRCh38, 1-based): chr19:10,991,253, C>T. VCF-style: chr19-10991253-C-T. GRCh37 (hg19) VCF-style: chr19-11101929-C-T.
Other names: c.1349C>T, p.Ala450Val (NM_001128844.3, NM_001128845.2, NM_001128846.2 and 5 more transcripts); short protein forms A450V.
Identifiers: ClinVar variation 486474 (VCV000486474.17), dbSNP rs1555757651, ClinGen allele CA404060881.
Genomic context (GRCh38, chr19:10,991,253, plus strand): 5'-TGGAGACAGCCCTCAATGCTAAGGCCTACAAGCGCAGCAAGCGCCAGTCCCTGCGCGAGG[C>T]CCGCATCACTGAGAAGCTGGAGAAGCAGCAGAAGATCGAGCAGGAGCGCAAGCGCCGGCA-3'
Protein context (NP_003063.2, residues 440-460): KRSKRQSLRE[Ala450Val]RITEKLEKQQ